The following is an entry in ClinVar:

ClinVar aggregate classification (germline): Uncertain significance (1 of 4 stars; one submission).

Allele frequency attached by ClinVar (database versions not stated): TOPMed 0.00001.
gnomAD v4.1: 6 of 1,613,438 alleles (0.00037%); highest among the groups gnomAD compares: Admixed American, 0.01%; no homozygotes.

Submission:

Labcorp Genetics (formerly Invitae), Labcorp
Classification: Uncertain significance. Last evaluated: 2022-07-03. Review status: criteria provided, single submitter. Criteria: Invitae Variant Classification Sherloc (09022015). Collection method: clinical testing. Allele origin: germline.
Comment: This sequence change replaces phenylalanine, which is neutral and non-polar, with leucine, which is neutral and non-polar, at codon 4 of the ERCC8 protein (p.Phe4Leu). This variant is present in population databases (no rsID available, gnomAD 0.01%). This variant has not been reported in the literature in individuals affected with ERCC8-related conditions. Algorithms developed to predict the effect of missense changes on protein structure and function output the following: SIFT: "Deleterious"; PolyPhen-2: "Benign"; Align-GVGD: "Class C0". The leucine amino acid residue is found in multiple mammalian species, which suggests that this missense change does not adversely affect protein function. In summary, the available evidence is currently insufficient to determine the role of this variant in disease. Therefore, it has been classified as a Variant of Uncertain Significance.

NM_000082.4(ERCC8):c.10T>C (p.Phe4Leu)

Gene: ERCC8 (ERCC excision repair 8, CSA ubiquitin ligase complex subunit; minus strand). Cytogenetic location: 5q12.1.
Variant type: single nucleotide variant.
Coding change: c.10T>C on transcript NM_000082.4 (MANE Select); coding-DNA position 10, T replaced by C.
Protein change: p.Phe4Leu; replaces phenylalanine 4 with leucine.
Molecular consequence: missense variant. On other transcripts: 5 prime UTR variant (2).
Genome position (GRCh38, 1-based): chr5:60,944,999, A>G on the plus strand (T>C on the coding strand, the complement: ERCC8 is on the minus strand). VCF-style: chr5-60944999-A-G. GRCh37 (hg19) VCF-style: chr5-60240826-A-G.
Other names: c.-383T>C (NM_001007233.3); c.10T>C, p.Phe4Leu (NM_001007234.3); c.-368T>C (NM_001290285.2); short protein forms F4L.
Identifiers: ClinVar variation 2069165 (VCV002069165.1), dbSNP rs764406810, ClinGen allele CA119536034.